The following is an entry in ClinVar:

NM_017654.4(SAMD9):c.3196G>A (p.Ala1066Thr)

Gene: SAMD9 (sterile alpha motif domain containing 9; minus strand). Cytogenetic location: 7q21.2.
Variant type: single nucleotide variant.
Coding change: c.3196G>A on transcript NM_017654.4 (MANE Select); coding-DNA position 3196, G replaced by A.
Protein change: p.Ala1066Thr; replaces alanine 1066 with threonine.
Molecular consequence: missense variant.
Genome position (GRCh38, 1-based): chr7:93,102,902, C>T on the plus strand (G>A on the coding strand, the complement: SAMD9 is on the minus strand). VCF-style: chr7-93102902-C-T. GRCh37 (hg19) VCF-style: chr7-92732215-C-T.
Other names: c.3196G>A, p.Ala1066Thr (NM_001193307.2); short protein forms A1066T.
Identifiers: ClinVar variation 3390835 (VCV003390835.2).

ClinVar aggregate classification (germline): Uncertain significance. Review status: criteria provided, multiple submitters, no conflicts (2 of 4 stars). 2 submissions from 2 submitters: Uncertain significance (2). Last evaluated 2024-12-16.

Conditions:
Inborn genetic diseases. Identifiers: MedGen C0950123, MeSH D030342.

Submissions (2):

Ambry Genetics
Classification: Uncertain significance for Inborn genetic diseases. Last evaluated: 2024-12-16. Review status: criteria provided, single submitter. Criteria: Ambry Variant Classification Scheme 2023. Collection method: clinical testing. Allele origin: germline.
Comment: The p.A1066T variant (also known as c.3196G>A), located in coding exon 1 of the SAMD9 gene, results from a G to A substitution at nucleotide position 3196. The alanine at codon 1066 is replaced by threonine, an amino acid with similar properties. This amino acid position is conserved. In addition, this alteration is predicted to be tolerated by in silico analysis. Based on the available evidence, the clinical significance of this variant remains unclear.

GeneDx
Classification: Uncertain significance. Last evaluated: 2024-06-10. Review status: criteria provided, single submitter. Criteria: GeneDx Variant Classification Process June 2021. Collection method: clinical testing. Allele origin: germline. Affected: yes.
Comment: Not observed at significant frequency in large population cohorts (gnomAD); In silico analysis indicates that this missense variant does not alter protein structure/function; Has not been previously published as pathogenic or benign to our knowledge; This variant is associated with the following publications: (PMID: 28545555)